The following is an entry in ClinVar:

ClinVar aggregate classification (germline): Uncertain significance. Review status: criteria provided, multiple submitters, no conflicts (2 of 4 stars). 2 submissions from 2 submitters: Uncertain significance (2). Last evaluated 2025-05-24.

Conditions:
Regional enteritis. Also called: Enteritis, Granulomatous. Identifiers: MedGen C0678202, MeSH D003424.
Blau syndrome (BLAUS). Also called: ARTHROCUTANEOUVEAL GRANULOMATOSIS; GRANULOMATOSIS, FAMILIAL JUVENILE SYSTEMIC; GRANULOMATOSIS, FAMILIAL, BLAU TYPE; GRANULOMATOUS INFLAMMATORY ARTHRITIS, DERMATITIS, AND UVEITIS, FAMILIAL; JABS SYNDROME. Identifiers: Orphanet 90340, MedGen C5201146, MONDO:0008523, OMIM 186580.

gnomAD v4.1: 8 of 1,613,824 alleles (0.0005%); highest among the groups gnomAD compares: Non-Finnish European, 0.00059%; no homozygotes.

Submissions (2):

Labcorp Genetics (formerly Invitae), Labcorp
Classification: Uncertain significance for Regional enteritis; Blau syndrome. Last evaluated: 2025-05-24. Review status: criteria provided, single submitter. Criteria: Invitae Variant Classification Sherloc (09022015). Collection method: clinical testing. Allele origin: germline.
Comment: This sequence change affects an acceptor splice site in intron 6 of the NOD2 gene. It is expected to disrupt RNA splicing. Variants that disrupt the donor or acceptor splice site typically lead to a loss of protein function (PMID: 16199547), however the current clinical and genetic evidence is not sufficient to establish whether loss-of-function variants in NOD2 cause disease. The frequency data for this variant in the population databases is considered unreliable, as metrics indicate poor data quality at this position in the gnomAD database. This variant has not been reported in the literature in individuals affected with NOD2-related conditions. ClinVar contains an entry for this variant (Variation ID: 3361242). Algorithms developed to predict the effect of sequence changes on RNA splicing suggest that this variant may disrupt the consensus splice site. In summary, the available evidence is currently insufficient to determine the role of this variant in disease. Therefore, it has been classified as a Variant of Uncertain Significance.

GeneDx
Classification: Uncertain significance. Last evaluated: 2023-07-24. Review status: criteria provided, single submitter. Criteria: GeneDx Variant Classification Process June 2021. Collection method: clinical testing. Allele origin: germline. Affected: yes.
Comment: Canonical splice site variant in a gene for which loss-of-function is not a known mechanism of disease.; Has not been previously published as pathogenic or benign to our knowledge

Literature cited by the submitters: PubMed 16199547 (cited by Labcorp Genetics (formerly Invitae), Labcorp).

NM_001370466.1(NOD2):c.2550-2A>G

Gene: NOD2 (nucleotide binding oligomerization domain containing 2; plus strand). Cytogenetic location: 16q12.1.
Variant type: single nucleotide variant.
Coding change: c.2550-2A>G on transcript NM_001370466.1 (MANE Select); the canonical splice acceptor site of the intron before coding-DNA position 2550, A replaced by G.
Molecular consequence: splice acceptor variant.
Genome position (GRCh38, 1-based): chr16:50,719,923, A>G. VCF-style: chr16-50719923-A-G. GRCh37 (hg19) VCF-style: chr16-50753834-A-G.
Other names: c.2631-2A>G (NM_022162.3); c.2550-2A>G (NM_001293557.2).
Identifiers: ClinVar variation 3361242 (VCV003361242.2).